The following is an entry in ClinVar:

ClinVar aggregate classification (germline): Uncertain significance. Review status: criteria provided, multiple submitters, no conflicts (2 of 4 stars). 5 submissions from 5 submitters: Uncertain significance (4). 1 of the submissions does not count toward it. Last evaluated 2024-08-04.

Conditions:
Inborn genetic diseases. Identifiers: MedGen C0950123, MeSH D030342.
Neuromuscular disease caused by qualitative or quantitative defects of dysferlin. Also called: Qualitative or quantitative defects of dysferlin; Dysferlinopathy. Identifiers: Orphanet 207073, MedGen C2931687, MONDO:0016145.
Autosomal recessive limb-girdle muscular dystrophy type 2B (LGMDR2). Also called: MUSCULAR DYSTROPHY, LIMB-GIRDLE, TYPE 3; Limb-girdle muscular dystrophy, type 2B; Limb-Girdle Muscular Dystrophy Type 2B (LGMD2B); MUSCULAR DYSTROPHY, LIMB-GIRDLE, AUTOSOMAL RECESSIVE 2. Identifiers: Orphanet 268, MedGen C1850889, MONDO:0009676, OMIM 253601.

Allele frequency attached by ClinVar (database versions not stated): gnomAD exomes 0.00001; ExAC 0.00002; gnomAD 0.00002; TOPMed 0.00002.
gnomAD v4.1: 15 of 1,614,090 alleles (0.00093%); highest among the groups gnomAD compares: African/African-American, 0.0027%; no homozygotes.

Submissions (5):

Ambry Genetics
Classification: Uncertain significance for Inborn genetic diseases. Last evaluated: 2024-08-04. Review status: criteria provided, single submitter. Criteria: Ambry Variant Classification Scheme 2023. Collection method: clinical testing. Allele origin: germline.

Labcorp Genetics (formerly Invitae), Labcorp
Classification: Uncertain significance for Neuromuscular disease caused by qualitative or quantitative defects of dysferlin. Last evaluated: 2022-07-06. Review status: criteria provided, single submitter. Criteria: Invitae Variant Classification Sherloc (09022015). Collection method: clinical testing. Allele origin: germline.
Comment: This sequence change replaces arginine, which is basic and polar, with histidine, which is basic and polar, at codon 919 of the DYSF protein (p.Arg919His). This variant is present in population databases (rs765601966, gnomAD 0.04%). This variant has not been reported in the literature in individuals affected with DYSF-related conditions. ClinVar contains an entry for this variant (Variation ID: 290143). Advanced modeling of protein sequence and biophysical properties (such as structural, functional, and spatial information, amino acid conservation, physicochemical variation, residue mobility, and thermodynamic stability) performed at Invitae indicates that this missense variant is not expected to disrupt DYSF protein function. In summary, the available evidence is currently insufficient to determine the role of this variant in disease. Therefore, it has been classified as a Variant of Uncertain Significance.

Revvity Omics, Revvity
Classification: Uncertain significance. Last evaluated: 2019-12-09. Review status: criteria provided, single submitter. Criteria: ACMG Guidelines, 2015. Collection method: clinical testing. Allele origin: germline.

Eurofins Ntd Llc (ga)
Classification: Uncertain significance. Last evaluated: 2016-08-08. Review status: criteria provided, single submitter. Criteria: EGL Classification Definitions 2015. Collection method: clinical testing. Allele origin: germline. Observed: 1 variant allele, 1 heterozygote.

Natera, Inc.
Classification: Uncertain significance for Limb-girdle muscular dystrophy type 2B. Last evaluated: 2019-11-11. Review status: no assertion criteria provided. Collection method: clinical testing. Allele origin: germline. Not counted in ClinVar's aggregate classification.

NM_001130987.2(DYSF):c.2810G>A (p.Arg937His)

Gene: DYSF (dysferlin; plus strand). Cytogenetic location: 2p13.2.
Variant type: single nucleotide variant.
Coding change: c.2810G>A on transcript NM_001130987.2 (MANE Select); coding-DNA position 2810, G replaced by A.
Protein change: p.Arg937His; replaces arginine 937 with histidine.
Molecular consequence: missense variant.
Genome position (GRCh38, 1-based): chr2:71,568,284, G>A. VCF-style: chr2-71568284-G-A. GRCh37 (hg19) VCF-style: chr2-71795414-G-A.
Other names: c.2759G>A, p.Arg920His (NM_001130455.2, NM_001130983.2); c.2714G>A, p.Arg905His (NM_001130976.2, NM_001130977.2); c.2756G>A, p.Arg919His (NM_001130978.2, NM_003494.4); c.2849G>A, p.Arg950His (NM_001130979.2); c.2807G>A, p.Arg936His (NM_001130980.2, NM_001130981.2); c.2852G>A, p.Arg951His (NM_001130982.2); c.2717G>A, p.Arg906His (NM_001130984.2, NM_001130986.2); c.2810G>A, p.Arg937His (NM_001130985.2); short protein forms R937H, R919H, R905H, R906H, R951H, R920H, R936H, R950H.
Identifiers: ClinVar variation 290143 (VCV000290143.11), dbSNP rs765601966, ClinGen allele CA1706287.